The following is an entry in ClinVar:

ClinVar aggregate classification (germline): Uncertain significance (1 of 4 stars; one submission).

Submission:

GeneDx
Classification: Uncertain significance. Last evaluated: 2024-05-29. Review status: criteria provided, single submitter. Criteria: GeneDx Variant Classification Process June 2021. Collection method: clinical testing. Allele origin: germline. Affected: yes.
Comment: Not observed at significant frequency in large population cohorts (gnomAD); In silico analysis indicates that this missense variant does not alter protein structure/function; Has not been previously published as pathogenic or benign to our knowledge

NM_021008.4(DEAF1):c.1490C>T (p.Ala497Val)

Genes: DEAF1 (DEAF1 transcription factor; minus strand), LOC126861109 (BRD4-independent group 4 enhancer GRCh37_chr11:673917-675116; plus strand). Cytogenetic location: 11p15.5.
Variant type: single nucleotide variant.
Coding change: c.1490C>T on transcript NM_021008.4 (MANE Select); coding-DNA position 1490, C replaced by T.
Protein change: p.Ala497Val; replaces alanine 497 with valine.
Molecular consequence: missense variant.
Genome position (GRCh38, 1-based): chr11:674,549, G>A on the plus strand (C>T on the coding strand, the complement: DEAF1 is on the minus strand). VCF-style: chr11-674549-G-A. GRCh37 (hg19) VCF-style: chr11-674549-G-A.
Other names: c.1223C>T, p.Ala408Val (NM_001293634.2); c.764C>T, p.Ala255Val (NM_001367390.1); short protein forms A255V, A408V, A497V.
Identifiers: ClinVar variation 2446492 (VCV002446492.2), dbSNP rs2494378405, ClinGen allele CA378923127.
Genomic context (GRCh38, chr11:674,549, plus strand): 5'-GGGGTTACTCGGCACAGGTCGTGTCTTCCCATTTGTTCCAAGGTTACCTCCTTCCGCTCT[G>A]CGTCAGCGTGGATCTTGGCCTGGTTTGTGGCAGCTTCTCGGTAGGTGCTGGCATGCTTGG-3'
Protein context (NP_066288.2, residues 487-507): ATNQAKIHAD[Ala497Val]ERKEQSCVNC